The following is an entry in ClinVar:

ClinVar aggregate classification (germline): Likely pathogenic. Review status: criteria provided, multiple submitters, no conflicts (2 of 4 stars). 2 submissions from 2 submitters: Likely pathogenic (2). Last evaluated 2025-01-21.

Conditions:
Glucose-6-phosphate transport defect (GSD1B). Also called: GSD Ib; Glycogen Storage Disease Type Ib. Identifiers: Orphanet 364, Orphanet 79259, MedGen C0268146, MONDO:0009288, OMIM 232220.

Submissions (2):

Natera, Inc.
Classification: Likely pathogenic for Glycogen storage disease type Ib. Last evaluated: 2025-01-21. Review status: criteria provided, single submitter. Criteria: Natera Variant Classification Schema (03/2026). Collection method: clinical testing. Allele origin: germline.
Comment: The c.871-1G>A variant in SLC37A4 is a canonical splice acceptor site variant predicted to affect pre-mRNA splicing, which may result in an abnormal transcript and altered protein product. This variant is expected to result in nonsense mediated decay, truncation, or a dysfunctional protein product. This variant is rare in the general population with a frequency below the threshold expected for the associated phenotype(s). Given the available evidence, this variant is classified as Likely Pathogenic.

Labcorp Genetics (formerly Invitae), Labcorp
Classification: Likely pathogenic for Glucose-6-phosphate transport defect. Last evaluated: 2023-03-08. Review status: criteria provided, single submitter. Criteria: Invitae Variant Classification Sherloc (09022015). Collection method: clinical testing. Allele origin: germline.
Comment: Algorithms developed to predict the effect of sequence changes on RNA splicing suggest that this variant may disrupt the consensus splice site. This sequence change affects an acceptor splice site in intron 7 of the SLC37A4 gene. It is expected to disrupt RNA splicing. Variants that disrupt the donor or acceptor splice site typically lead to a loss of protein function (PMID: 16199547), and loss-of-function variants in SLC37A4 are known to be pathogenic (PMID: 9758626, 10940311). This variant is not present in population databases (gnomAD no frequency). This variant has not been reported in the literature in individuals affected with SLC37A4-related conditions. ClinVar contains an entry for this variant (Variation ID: 2133454). In summary, the currently available evidence indicates that the variant is pathogenic, but additional data are needed to prove that conclusively. Therefore, this variant has been classified as Likely Pathogenic.

Literature cited by the submitters: PubMed 16199547 (cited by Labcorp Genetics (formerly Invitae), Labcorp); PubMed 9758626 (cited by Labcorp Genetics (formerly Invitae), Labcorp); PubMed 10940311 (cited by Labcorp Genetics (formerly Invitae), Labcorp).

NM_001164277.2(SLC37A4):c.872-1G>A

Gene: SLC37A4 (solute carrier family 37 member 4; minus strand). Cytogenetic location: 11q23.3.
Variant type: single nucleotide variant.
Coding change: c.872-1G>A on transcript NM_001164277.2 (MANE Select); the canonical splice acceptor site of the intron before coding-DNA position 872, G replaced by A.
Molecular consequence: splice acceptor variant.
Genome position (GRCh38, 1-based): chr11:119,026,081, C>T on the plus strand (G>A on the coding strand, the complement: SLC37A4 is on the minus strand). VCF-style: chr11-119026081-C-T. GRCh37 (hg19) VCF-style: chr11-118896791-C-T.
Other names: c.871-1G>A (NM_001164277.1); c.653-1G>A (NM_001164279.2); c.872-1G>A (NM_001467.6, NM_001164278.2, NM_001164280.2).
Identifiers: ClinVar variation 2133454 (VCV002133454.6), dbSNP rs2497018180, ClinGen allele CA382898209.